The following is an entry in ClinVar:

ClinVar aggregate classification (germline): Conflicting classifications of pathogenicity. Review status: criteria provided, conflicting classifications (1 of 4 stars). 3 submissions from 3 submitters: Uncertain significance (1); Likely benign (2). Last evaluated 2025-10-29.

Conditions:
Cardiomyopathy (CMYO). Also called: Cardiomyopathies. Identifiers: Orphanet 167848, MedGen C0878544, MONDO:0004994, HP:0001638. Inheritance: Various modes of inheritance.

Allele frequency attached by ClinVar (database versions not stated): TOPMed 0.00001; ExAC 0.00001; gnomAD 0.00001; gnomAD exomes 0.00001.
gnomAD v4.1: 24 of 1,569,788 alleles (0.0015%); highest among the groups gnomAD compares: South Asian, 0.0089%; no homozygotes.

Submissions (3):

Labcorp Genetics (formerly Invitae), Labcorp
Classification: Likely benign. Last evaluated: 2025-10-29. Review status: criteria provided, single submitter. Criteria: Invitae Variant Classification Sherloc (09022015). Collection method: clinical testing. Allele origin: germline.

Center for Advanced Laboratory Medicine, UC San Diego Health, University of California San Diego
Classification: Likely benign for Cardiomyopathy. Last evaluated: 2019-01-10. Review status: criteria provided, single submitter. Criteria: ACMG Guidelines, 2015. Collection method: clinical testing. Allele origin: germline. Affected: yes. Observed: 1 variant allele.

Laboratory for Molecular Medicine, Mass General Brigham Personalized Medicine
Classification: Uncertain significance. Last evaluated: 2014-07-31. Review status: criteria provided, single submitter. Criteria: LMM Criteria. Collection method: clinical testing. Allele origin: germline. Observed: 1 variant allele.
Comment: The 26-12C>G variant in CTF1 has not been previously reported in individuals wit h cardiomyopathy or in large population studies. This variant is located in the 3' splice region. Computational tools do not suggest an impact to splicing. Howe ver, this information is not predictive enough to rule out pathogenicity. In sum mary, the clinical significance of the 26-12C>G variant is uncertain.

NM_001330.5(CTF1):c.26-12C>G

Gene: CTF1 (cardiotrophin 1; plus strand). Cytogenetic location: 16p11.2.
Variant type: single nucleotide variant.
Coding change: c.26-12C>G on transcript NM_001330.5 (MANE Select); 12 bases into the intron before coding-DNA position 26, C replaced by G.
Molecular consequence: intron variant. On other transcripts: non-coding transcript variant (1).
Genome position (GRCh38, 1-based): chr16:30,899,403, C>G. VCF-style: chr16-30899403-C-G. GRCh37 (hg19) VCF-style: chr16-30910724-C-G.
Other names: c.26-15C>G (NM_001142544.3).
Identifiers: ClinVar variation 163015 (VCV000163015.6), dbSNP rs727502948, ClinGen allele CA175613.